The following is an entry in ClinVar:

NM_001004356.3(FGFRL1):c.368G>A (p.Gly123Glu)

Gene: FGFRL1 (fibroblast growth factor receptor like 1; plus strand). Cytogenetic location: 4p16.3.
Variant type: single nucleotide variant.
Coding change: c.368G>A on transcript NM_001004356.3 (MANE Select); coding-DNA position 368, G replaced by A.
Protein change: p.Gly123Glu; replaces glycine 123 with glutamic acid.
Molecular consequence: missense variant.
Genome position (GRCh38, 1-based): chr4:1,023,656, G>A. VCF-style: chr4-1023656-G-A. GRCh37 (hg19) VCF-style: chr4-1017444-G-A.
Other names: c.368G>A, p.Gly123Glu (NM_001004358.1, NM_001370296.1, NM_021923.3); c.368G>A (NM_001004356.2); short protein forms G123E.
Identifiers: ClinVar variation 1446360 (VCV001446360.10), dbSNP rs777232211, ClinGen allele CA2802689.
Genomic context (GRCh38, chr4:1,023,656, plus strand): 5'-GGCCCCCCTCACCTGCCCTCCCTGTGCACCTCCGTCTCTCTGCAGATGACATTAGCCCAG[G>A]GAAGGAGAGCCTGGGGCCCGACAGCTCCTCTGGGGGTCAAGAGGACCCCGCCAGCCAGCA-3'
Protein context (NP_001004356.1, residues 113-133): TLVVLDDISP[Gly123Glu]KESLGPDSSS

ClinVar aggregate classification (germline): Uncertain significance. Review status: criteria provided, multiple submitters, no conflicts (2 of 4 stars). 2 submissions from 2 submitters: Uncertain significance (2). Last evaluated 2025-08-31.

Allele frequency attached by ClinVar (database versions not stated): ExAC 0.00003; gnomAD exomes 0.00003 and 0.00004; gnomAD 0.00004; TOPMed 0.00005.

Submissions (2):

Ambry Genetics
Classification: Uncertain significance. Last evaluated: 2025-08-31. Review status: criteria provided, single submitter. Criteria: Ambry Variant Classification Scheme 2023. Collection method: clinical testing. Allele origin: germline.

Labcorp Genetics (formerly Invitae), Labcorp
Classification: Uncertain significance. Last evaluated: 2023-08-30. Review status: criteria provided, single submitter. Criteria: Invitae Variant Classification Sherloc (09022015). Collection method: clinical testing. Allele origin: germline.
Comment: In summary, the available evidence is currently insufficient to determine the role of this variant in disease. Therefore, it has been classified as a Variant of Uncertain Significance. An algorithm developed to predict the effect of missense changes on protein structure and function (PolyPhen-2) suggests that this variant is likely to be tolerated. ClinVar contains an entry for this variant (Variation ID: 1446360). This variant has not been reported in the literature in individuals affected with FGFRL1-related conditions. This variant is present in population databases (rs777232211, gnomAD 0.009%). This sequence change replaces glycine, which is neutral and non-polar, with glutamic acid, which is acidic and polar, at codon 123 of the FGFRL1 protein (p.Gly123Glu).